The following is an entry in ClinVar:

NM_012079.6(DGAT1):c.1270C>T (p.Arg424Ter)

Gene: DGAT1 (diacylglycerol O-acyltransferase 1; minus strand). Cytogenetic location: 8q24.3.
Variant type: single nucleotide variant.
Coding change: c.1270C>T on transcript NM_012079.6 (MANE Select); coding-DNA position 1270, C replaced by T.
Protein change: p.Arg424Ter; replaces arginine 424 with a stop codon.
Molecular consequence: nonsense.
Genome position (GRCh38, 1-based): chr8:144,316,894, G>A on the plus strand (C>T on the coding strand, the complement: DGAT1 is on the minus strand). VCF-style: chr8-144316894-G-A. GRCh37 (hg19) VCF-style: chr8-145540557-G-A.
Other names: short protein forms R424*.
Identifiers: ClinVar variation 1352679 (VCV001352679.6), dbSNP rs782420668, ClinGen allele CA4936584.
Genomic context (GRCh38, chr8:144,316,894, plus strand): 5'-CCACGTGGGGGTCACTCACCTGAGCCATCATGCCCGTGAACGCCCAGAGGCGGAACATTC[G>A]CAGAGGGACGCTCACCAGGTACTGAGATGGGAGGGAGAGAGGATGCCAGGGAGTGGGGTG-3'

ClinVar aggregate classification (germline): Conflicting classifications of pathogenicity. Review status: criteria provided, conflicting classifications (1 of 4 stars). 2 submissions from 2 submitters: Likely pathogenic (1); Uncertain significance (1). Last evaluated 2025-03-14.

Conditions:
Congenital diarrhea 7 with exudative enteropathy. Also called: Diarrhea 7. Identifiers: Orphanet 329242, MedGen C4014516, MONDO:0014375, OMIM 615863.

Allele frequency attached by ClinVar (database versions not stated): ExAC 0.00001; gnomAD 0.00001.
gnomAD v4.1: 25 of 1,612,038 alleles (0.0016%); highest among the groups gnomAD compares: South Asian, 0.0033%; no homozygotes.

Submissions (2):

3billion
Classification: Likely pathogenic for Congenital diarrhea 7 with exudative enteropathy. Last evaluated: 2025-03-14. Review status: criteria provided, single submitter. Criteria: ACMG Guidelines, 2015. Collection method: clinical testing. Allele origin: germline. Affected: yes.

Labcorp Genetics (formerly Invitae), Labcorp
Classification: Uncertain significance. Last evaluated: 2022-06-13. Review status: criteria provided, single submitter. Criteria: Invitae Variant Classification Sherloc (09022015). Collection method: clinical testing. Allele origin: germline.
Comment: This sequence change creates a premature translational stop signal (p.Arg424*) in the DGAT1 gene. While this is not anticipated to result in nonsense mediated decay, it is expected to disrupt the last 65 amino acid(s) of the DGAT1 protein. This variant is present in population databases (rs782420668, gnomAD 0.003%). This variant has not been reported in the literature in individuals affected with DGAT1-related conditions. Experimental studies and prediction algorithms are not available or were not evaluated, and the functional significance of this variant is currently unknown. In summary, the available evidence is currently insufficient to determine the role of this variant in disease. Therefore, it has been classified as a Variant of Uncertain Significance.